The following is an entry in ClinVar:

ClinVar aggregate classification (germline): Uncertain significance (1 of 4 stars; one submission).

Conditions:
Developmental and epileptic encephalopathy, 30 (DEE30). Also called: Epileptic encephalopathy, early infantile, 30. Identifiers: MedGen C4225360, MONDO:0014595, OMIM 616341.

Submission:

Labcorp Genetics (formerly Invitae), Labcorp
Classification: Uncertain significance for Developmental and epileptic encephalopathy, 30. Last evaluated: 2025-08-30. Review status: criteria provided, single submitter. Criteria: Invitae Variant Classification Sherloc (09022015). Collection method: clinical testing. Allele origin: germline.
Comment: This sequence change falls in intron 11 of the SIK1 gene. It does not directly change the encoded amino acid sequence of the SIK1 protein. It affects a nucleotide within the consensus splice site. This variant is not present in population databases (gnomAD no frequency). This variant has not been reported in the literature in individuals affected with SIK1-related conditions. Variants that disrupt the consensus splice site are a relatively common cause of aberrant splicing (PMID: 17576681, 9536098). Algorithms developed to predict the effect of sequence changes on RNA splicing suggest that this variant is not likely to affect RNA splicing. In summary, the available evidence is currently insufficient to determine the role of this variant in disease. Therefore, it has been classified as a Variant of Uncertain Significance.

Literature cited by the submitters: PubMed 17576681; PubMed 9536098.

NM_173354.5(SIK1):c.1462+6T>C

Gene: SIK1 (salt inducible kinase 1; minus strand). Cytogenetic location: 21q22.3.
Variant type: single nucleotide variant.
Coding change: c.1462+6T>C on transcript NM_173354.5 (MANE Select); 6 bases into the intron after coding-DNA position 1462, T replaced by C.
Molecular consequence: intron variant.
Genome position (GRCh38, 1-based): chr21:43,419,015, A>G on the plus strand (T>C on the coding strand, the complement: SIK1 is on the minus strand). VCF-style: chr21-43419015-A-G. GRCh37 (hg19) VCF-style: chr21-44838895-A-G.
Identifiers: ClinVar variation 4763372 (VCV004763372.1).
Genomic context (GRCh38, chr21:43,419,015, plus strand): 5'-AGCCCACCCTCACGTCGACCGTAAGCCTATCCACCGGTGTCCTCCTGGGCCCCCGGGGAC[A>G]CTTACATGGCGCGGTGAGTGGGGAGAGGCGGGTGGAGACCTCGGCCAGGGTGTGCCTCCG-3'